The following is an entry in ClinVar:

NM_001080414.4(CCDC88C):c.1996_2022del (p.His666_Glu674del)

Gene: CCDC88C (coiled-coil and HOOK domain protein 88C; minus strand). Cytogenetic location: 14q32.11.
Variant type: Deletion.
Coding change: c.1996_2022del on transcript NM_001080414.4 (MANE Select); coding-DNA positions 1996 to 2022, 27 bases deleted (CATGAGAGCCAGGGCCTGCAGCTGGAG).
Protein change: p.His666_Glu674del.
Molecular consequence: inframe deletion. On other transcripts: non-coding transcript variant (2).
Genome position (GRCh38, 1-based): chr14:91,313,794-91,313,820, CTCCAGCTGCAGGCCCTGGCTCTCATG deleted on the plus strand (CATGAGAGCCAGGGCCTGCAGCTGGAG on the coding strand, the reverse complement: CCDC88C is on the minus strand); deleting any 27 consecutive bases within chr14:91,313,794-91,313,826 gives the same sequence; the c. name uses the placement nearest the transcript's 3' end. VCF-style (leftmost placement, unchanged base first): chr14-91313793-TCTCCAGCTGCAGGCCCTGGCTCTCATG-T. GRCh37 (hg19) VCF-style: chr14-91780137-TCTCCAGCTGCAGGCCCTGGCTCTCATG-T.
Identifiers: ClinVar variation 5004046 (VCV005004046.1).

ClinVar aggregate classification (germline): Uncertain significance (1 of 4 stars; one submission).

Conditions:
Hydrocephalus, nonsyndromic, autosomal recessive 1 (HYC1). Also called: Congenital hydrocephalus 1; Hydrocephalus, nonsyndromic, autosomal recessive. Identifiers: Orphanet 2185, MedGen C3887608, MONDO:0009360, OMIM 236600.

Submission:

Myriad Genetics, Inc.
Classification: Uncertain significance for Hydrocephalus, nonsyndromic, autosomal recessive 1. Last evaluated: 2026-02-27. Review status: criteria provided, single submitter. Criteria: Myriad Autosomal Dominant, Autosomal Recessive and X-Linked Classification Criteria (2023). Collection method: clinical testing. Allele origin: unknown.
Comment: NM_001080414.3(CCDC88C):c.1996_2022del27(H666_E674del) is an in-frame deletion classified as a variant of uncertain significance in the context of congenital hydrocephalus, CCDC88C-related. H666_E674del has not been observed in cases with relevant disease. Relevant functional assessments of this variant are not available in the literature. H666_E674del has not been observed in referenced population frequency databases. In summary, there is insufficient evidence to classify NM_001080414.3(CCDC88C):c.1996_2022del27(H666_E674del) as pathogenic or benign. Please note: this variant was assessed in the context of healthy population screening.